The following is an entry in ClinVar:

NM_032578.4(MYPN):c.2850A>C (p.Arg950Ser)

Gene: MYPN (myopalladin; plus strand). Cytogenetic location: 10q21.3.
Variant type: single nucleotide variant.
Coding change: c.2850A>C on transcript NM_032578.4 (MANE Select); coding-DNA position 2850, A replaced by C.
Protein change: p.Arg950Ser; replaces arginine 950 with serine.
Molecular consequence: missense variant. On other transcripts: non-coding transcript variant (2).
Genome position (GRCh38, 1-based): chr10:68,189,051, A>C. VCF-style: chr10-68189051-A-C. GRCh37 (hg19) VCF-style: chr10-69948808-A-C.
Other names: c.2850A>C, p.Arg950Ser (NM_001256267.2); c.1968A>C, p.Arg656Ser (NM_001256268.2); short protein forms R950S, R656S.
Identifiers: ClinVar variation 2131537 (VCV002131537.4), dbSNP rs2134257859, ClinGen allele CA376853767.

ClinVar aggregate classification (germline): Uncertain significance (1 of 4 stars; one submission).

Conditions:
Dilated cardiomyopathy 1KK (CMD1KK). Identifiers: Orphanet 154, Orphanet 75249, MedGen C3714995, MONDO:0014100, OMIM 615248.

Submission:

Labcorp Genetics (formerly Invitae), Labcorp
Classification: Uncertain significance for Dilated cardiomyopathy 1KK. Last evaluated: 2022-04-28. Review status: criteria provided, single submitter. Criteria: Invitae Variant Classification Sherloc (09022015). Collection method: clinical testing. Allele origin: germline.
Comment: In summary, the available evidence is currently insufficient to determine the role of this variant in disease. Therefore, it has been classified as a Variant of Uncertain Significance. Algorithms developed to predict the effect of missense changes on protein structure and function are either unavailable or do not agree on the potential impact of this missense change (SIFT: "Tolerated"; PolyPhen-2: "Probably Damaging"; Align-GVGD: "Class C0"). This variant has not been reported in the literature in individuals affected with MYPN-related conditions. This variant is not present in population databases (gnomAD no frequency). This sequence change replaces arginine, which is basic and polar, with serine, which is neutral and polar, at codon 950 of the MYPN protein (p.Arg950Ser).